The following is an entry in ClinVar:

ClinVar aggregate classification (germline): Uncertain significance. Review status: criteria provided, multiple submitters, no conflicts (2 of 4 stars). 2 submissions from 2 submitters: Uncertain significance (2). Last evaluated 2024-06-22.

Conditions:
Hereditary cancer-predisposing syndrome. Also called: Neoplastic Syndromes, Hereditary; Tumor predisposition; Hereditary Cancer Syndrome; Hereditary neoplastic syndrome. Identifiers: Orphanet 140162, MedGen C0027672, MeSH D009386, MONDO:0015356.
Hereditary nonpolyposis colorectal neoplasms. Identifiers: MedGen C0009405, MeSH D003123.

Submissions (2):

Ambry Genetics
Classification: Uncertain significance for Hereditary cancer-predisposing syndrome. Last evaluated: 2024-06-22. Review status: criteria provided, single submitter. Criteria: Ambry Variant Classification Scheme 2023. Collection method: clinical testing. Allele origin: germline.
Comment: The p.Y707C variant (also known as c.2120A>G), located in coding exon 12 of the PMS2 gene, results from an A to G substitution at nucleotide position 2120. The tyrosine at codon 707 is replaced by cysteine, an amino acid with highly dissimilar properties. This missense alteration is located in a region that has a low rate of benign missense variation (Lek M et al. Nature. 2016 Aug 18;536(7616):285-91; DECIPHER: Database of Chromosomal Imbalance and Phenotype in Humans using Ensembl Resources. Firth H.V. et al. 2009. Am.J.Hum.Genet. 84, 524-533 (DOI)). This amino acid position is highly conserved in available vertebrate species. In addition, this alteration is predicted to be deleterious by in silico analysis. Since supporting evidence is limited at this time, the clinical significance of this alteration remains unclear.

Labcorp Genetics (formerly Invitae), Labcorp
Classification: Uncertain significance for Hereditary nonpolyposis colorectal neoplasms. Last evaluated: 2022-03-21. Review status: criteria provided, single submitter. Criteria: Invitae Variant Classification Sherloc (09022015). Collection method: clinical testing. Allele origin: germline.
Comment: This sequence change replaces tyrosine, which is neutral and polar, with cysteine, which is neutral and slightly polar, at codon 707 of the PMS2 protein (p.Tyr707Cys). The frequency data for this variant in the population databases (gnomAD) is considered unreliable due to the presence of homologous sequence, such as pseudogenes or paralogs, in the genome. This variant has not been reported in the literature in individuals affected with PMS2-related conditions. ClinVar contains an entry for this variant (Variation ID: 484260). Algorithms developed to predict the effect of missense changes on protein structure and function (SIFT, PolyPhen-2, Align-GVGD) all suggest that this variant is likely to be disruptive. Algorithms developed to predict the effect of sequence changes on RNA splicing suggest that this variant may create or strengthen a splice site. In summary, the available evidence is currently insufficient to determine the role of this variant in disease. Therefore, it has been classified as a Variant of Uncertain Significance.

NM_000535.7(PMS2):c.2120A>G (p.Tyr707Cys)

Gene: PMS2 (PMS1 homolog 2, mismatch repair system component; minus strand). Cytogenetic location: 7p22.1.
Variant type: single nucleotide variant.
Coding change: c.2120A>G on transcript NM_000535.7 (MANE Select); coding-DNA position 2120, A replaced by G.
Protein change: p.Tyr707Cys; replaces tyrosine 707 with cysteine.
Molecular consequence: missense variant. On other transcripts: non-coding transcript variant (1).
Genome position (GRCh38, 1-based): chr7:5,982,878, T>C on the plus strand (A>G on the coding strand, the complement: PMS2 is on the minus strand). VCF-style: chr7-5982878-T-C. GRCh37 (hg19) VCF-style: chr7-6022509-T-C.
Other names: c.1715A>G, p.Tyr572Cys (NM_001322003.2, NM_001322004.2, NM_001322005.2 and 1 more transcripts); c.1964A>G, p.Tyr655Cys (NM_001322006.2); c.1802A>G, p.Tyr601Cys (NM_001322007.2, NM_001322008.2); c.1559A>G, p.Tyr520Cys (NM_001322010.2); c.1187A>G, p.Tyr396Cys (NM_001322011.2, NM_001322012.2); c.1547A>G, p.Tyr516Cys (NM_001322013.2); c.2120A>G, p.Tyr707Cys (NM_001322014.2); c.1811A>G, p.Tyr604Cys (NM_001322015.2); short protein forms Y707C, Y601C, Y604C, Y396C, Y516C, Y520C, Y572C, Y655C.
Identifiers: ClinVar variation 484260 (VCV000484260.11), dbSNP rs1554295795, ClinGen allele CA366737952.